The following is an entry in ClinVar:

ClinVar aggregate classification (germline): Uncertain significance. Review status: criteria provided, multiple submitters, no conflicts (2 of 4 stars). 2 submissions from 2 submitters: Uncertain significance (2). Last evaluated 2025-07-08.

Conditions:
Cardiac arrhythmia. Also called: Cardiac rhythm disease; Arrhythmia. Identifiers: MedGen C0003811, MONDO:0007263, HP:0011675.
Long QT syndrome (LQTS). Identifiers: MedGen C0023976, MeSH D008133, MONDO:0002442. Disease mechanism: loss of function. Inheritance: Various modes of inheritance.

Submissions (2):

Color Diagnostics, LLC DBA Color Health
Classification: Uncertain significance for Cardiac arrhythmia. Last evaluated: 2025-07-08. Review status: criteria provided, single submitter. Criteria: ACMG Guidelines, 2015. Collection method: clinical testing. Allele origin: germline.
Comment: This missense variant replaces glutamic acid with glycine at codon 494 of the KCNQ1 protein. This variant is located within the conserved C-terminal cytoplasmic domain (a.a. 349-676) of the KCNQ1 protein. Rare non-truncating variants in this region have been shown to be significantly overrepresented in individuals with long QT syndrome (PMID: 32893267). Computational prediction suggests that this variant may have a deleterious impact on protein structure and function. To our knowledge, functional studies have not been reported for this variant. This variant has not been reported in individuals affected with KCNQ1-related disorders in the literature. This variant has not been identified in the general population by the Genome Aggregation Database (gnomAD). The available evidence is insufficient to determine the role of this variant in disease conclusively. Therefore, this variant is classified as a Variant of Uncertain Significance.

Labcorp Genetics (formerly Invitae), Labcorp
Classification: Uncertain significance for Long QT syndrome. Last evaluated: 2022-02-22. Review status: criteria provided, single submitter. Criteria: Invitae Variant Classification Sherloc (09022015). Collection method: clinical testing. Allele origin: germline.
Comment: This sequence change replaces glutamic acid, which is acidic and polar, with glycine, which is neutral and non-polar, at codon 494 of the KCNQ1 protein (p.Glu494Gly). This variant is not present in population databases (gnomAD no frequency). This variant has not been reported in the literature in individuals affected with KCNQ1-related conditions. Algorithms developed to predict the effect of missense changes on protein structure and function are either unavailable or do not agree on the potential impact of this missense change (SIFT: "Deleterious"; PolyPhen-2: "Probably Damaging"; Align-GVGD: "Class C0"). In summary, the available evidence is currently insufficient to determine the role of this variant in disease. Therefore, it has been classified as a Variant of Uncertain Significance.

Literature cited by the submitters: PubMed 32893267 (cited by Color Diagnostics, LLC DBA Color Health).

NM_000218.3(KCNQ1):c.1481A>G (p.Glu494Gly)

Genes: KCNQ1 (potassium voltage-gated channel subfamily Q member 1; plus strand), KCNQ1OT1 (KCNQ1 opposite strand/antisense transcript 1; minus strand). Cytogenetic location: 11p15.5.
Variant type: single nucleotide variant.
Coding change: c.1481A>G on transcript NM_000218.3 (MANE Select); coding-DNA position 1481, A replaced by G.
Protein change: p.Glu494Gly; replaces glutamic acid 494 with glycine.
Molecular consequence: missense variant.
Genome position (GRCh38, 1-based): chr11:2,662,048, A>G. VCF-style: chr11-2662048-A-G. GRCh37 (hg19) VCF-style: chr11-2683278-A-G.
Other names: c.1385A>G, p.Glu462Gly (NM_001406836.1); c.1211A>G, p.Glu404Gly (NM_001406837.1); c.941A>G, p.Glu314Gly (NM_001406838.1); c.1100A>G, p.Glu367Gly (NM_181798.2); short protein forms E404G, E462G, E314G, E367G, E494G.
Identifiers: ClinVar variation 2050491 (VCV002050491.4), dbSNP rs2493870397, ClinGen allele CA379479722.